The following is an entry in ClinVar:

NM_144670.6(A2ML1):c.1826A>G (p.Asn609Ser)

Gene: A2ML1 (alpha-2-macroglobulin like 1; plus strand). Cytogenetic location: 12p13.31.
Variant type: single nucleotide variant.
Coding change: c.1826A>G on transcript NM_144670.6 (MANE Select); coding-DNA position 1826, A replaced by G.
Protein change: p.Asn609Ser; replaces asparagine 609 with serine.
Molecular consequence: missense variant.
Genome position (GRCh38, 1-based): chr12:8,847,691, A>G. VCF-style: chr12-8847691-A-G. GRCh37 (hg19) VCF-style: chr12-9000287-A-G.
Other names: c.353A>G, p.Asn118Ser (NM_001282424.3); short protein forms N609S, N118S.
Identifiers: ClinVar variation 2887914 (VCV002887914.3), dbSNP rs2539242750, ClinGen allele CA383829951.

ClinVar aggregate classification (germline): Uncertain significance (1 of 4 stars; one submission).

Allele frequency attached by ClinVar (database versions not stated): gnomAD exomes below 0.00001.

Submission:

Labcorp Genetics (formerly Invitae), Labcorp
Classification: Uncertain significance. Last evaluated: 2023-04-06. Review status: criteria provided, single submitter. Criteria: Invitae Variant Classification Sherloc (09022015). Collection method: clinical testing. Allele origin: germline.
Comment: In summary, the available evidence is currently insufficient to determine the role of this variant in disease. Therefore, it has been classified as a Variant of Uncertain Significance. An algorithm developed to predict the effect of missense changes on protein structure and function (PolyPhen-2) suggests that this variant is likely to be tolerated. This variant has not been reported in the literature in individuals affected with A2ML1-related conditions. This variant is not present in population databases (gnomAD no frequency). This sequence change replaces asparagine, which is neutral and polar, with serine, which is neutral and polar, at codon 609 of the A2ML1 protein (p.Asn609Ser).